The following is an entry in ClinVar:

ClinVar aggregate classification (germline): Pathogenic/Likely pathogenic. Review status: criteria provided, multiple submitters, no conflicts (2 of 4 stars). 3 submissions from 3 submitters: Pathogenic (2); Likely pathogenic (1). Last evaluated 2023-02-11.

Conditions:
Neuronal ceroid lipofuscinosis. Also called: Neuronal Ceroid Lipofuscinoses. Identifiers: Orphanet 216, Orphanet 79263, MedGen C0027877, MONDO:0016295. Disease mechanism: loss of function.
Neuronal ceroid lipofuscinosis 5 (CLN5). Also called: CEROID LIPOFUSCINOSIS, NEURONAL, 5, VARIABLE AGE AT ONSET; Neuronal ceroid lipofuscinosis Finnish variant; NEURONAL CEROID LIPOFUSCINOSIS, LATE INFANTILE, FINNISH VARIANT; CLN5-Related Neuronal Ceroid-Lipofuscinosis. Identifiers: Orphanet 168491, Orphanet 228360, MedGen C1850442, MONDO:0009745, OMIM 256731.

Submissions (3):

Labcorp Genetics (formerly Invitae), Labcorp
Classification: Pathogenic for Neuronal ceroid lipofuscinosis. Last evaluated: 2023-02-11. Review status: criteria provided, single submitter. Criteria: Invitae Variant Classification Sherloc (09022015). Collection method: clinical testing. Allele origin: germline.
Comment: This sequence change creates a premature translational stop signal (p.Arg112Valfs*51) in the CLN5 gene. It is expected to result in an absent or disrupted protein product. Loss-of-function variants in CLN5 are known to be pathogenic (PMID: 20157158). This variant is not present in population databases (gnomAD no frequency). This variant has not been reported in the literature in individuals affected with CLN5-related conditions. ClinVar contains an entry for this variant (Variation ID: 527740). For these reasons, this variant has been classified as Pathogenic.

Genome-Nilou Lab
Classification: Pathogenic for Neuronal ceroid lipofuscinosis 5. Last evaluated: 2021-08-10. Review status: criteria provided, single submitter. Criteria: ACMG Guidelines, 2015. Collection method: clinical testing. Allele origin: germline. Affected: no.

Revvity Omics, Revvity
Classification: Likely pathogenic for Neuronal ceroid lipofuscinosis 5. Last evaluated: 2021-06-10. Review status: criteria provided, single submitter. Criteria: ACMG Guidelines, 2015. Collection method: clinical testing. Allele origin: germline.

Literature cited by the submitters: PubMed 20157158 (cited by Labcorp Genetics (formerly Invitae), Labcorp).

NM_006493.4(CLN5):c.187del (p.Arg63fs)

Gene: CLN5 (CLN5 lysosomal BMP synthase; plus strand). Cytogenetic location: 13q22.3.
Variant type: Deletion.
Coding change: c.187del on transcript NM_006493.4 (MANE Select); coding-DNA position 187, one base deleted (C; older notation c.187delC).
Protein change: p.Arg63fs; shifts the reading frame from arginine 63.
Molecular consequence: frameshift variant.
Genome position (GRCh38, 1-based): chr13:76,995,076, C deleted; the last of 2 consecutive C bases (chr13:76,995,075-76,995,076); deleting either gives the same sequence. VCF-style (leftmost placement, unchanged base first): chr13-76995074-TC-T. GRCh37 (hg19) VCF-style: chr13-77569209-TC-T.
Other names: c.334del (LRG_692t1); c.187del, p.Arg63fs (NM_001366624.2); short protein forms R63fs.
Identifiers: ClinVar variation 527740 (VCV000527740.12), dbSNP rs1555273881, ClinGen allele CA658798158.
Genomic context (GRCh38, chr13:76,995,074, plus strand): 5'-ATCAGATTCATTTTAGAATCTAAGTAGATGGTTTCTTTTTCTTTATTAGGCGCTTTGACT[TC>T]CGTCCAAAACCTGATCCTTATTGTCAAGCTAAGTATACTTTCTGTCCAACTGGCTCACCT-3'